The following is an entry in ClinVar:

ClinVar aggregate classification (germline): Uncertain significance (1 of 4 stars; one submission).

Submission:

Labcorp Genetics (formerly Invitae), Labcorp
Classification: Uncertain significance. Last evaluated: 2024-11-03. Review status: criteria provided, single submitter. Criteria: Invitae Variant Classification Sherloc (09022015). Collection method: clinical testing. Allele origin: germline.
Comment: This sequence change replaces alanine, which is neutral and non-polar, with proline, which is neutral and non-polar, at codon 14 of the NTHL1 protein (p.Ala14Pro). This variant is not present in population databases (gnomAD no frequency). This variant has not been reported in the literature in individuals affected with NTHL1-related conditions. An algorithm developed to predict the effect of missense changes on protein structure and function (PolyPhen-2) suggests that this variant is likely to be tolerated. In summary, the available evidence is currently insufficient to determine the role of this variant in disease. Therefore, it has been classified as a Variant of Uncertain Significance.

NM_002528.7(NTHL1):c.16G>C (p.Ala6Pro)

Gene: NTHL1 (nth like DNA glycosylase 1; minus strand). Cytogenetic location: 16p13.3.
Variant type: single nucleotide variant.
Coding change: c.16G>C on transcript NM_002528.7 (MANE Select); coding-DNA position 16, G replaced by C.
Protein change: p.Ala6Pro; replaces alanine 6 with proline.
Molecular consequence: missense variant. On other transcripts: 5 prime UTR variant (1).
Genome position (GRCh38, 1-based): chr16:2,047,808, C>G on the plus strand (G>C on the coding strand, the complement: NTHL1 is on the minus strand). VCF-style: chr16-2047808-C-G. GRCh37 (hg19) VCF-style: chr16-2097809-C-G.
Other names: c.16G>C, p.Ala6Pro (NM_001318193.2); c.-163G>C (NM_001318194.2); short protein forms A6P.
Identifiers: ClinVar variation 3724500 (VCV003724500.2).